The following is an entry in ClinVar:

NM_002887.4(RARS1):c.46-251C>T

Gene: RARS1 (arginyl-tRNA synthetase 1; plus strand). Cytogenetic location: 5q34.
Variant type: single nucleotide variant.
Coding change: c.46-251C>T on transcript NM_002887.4 (MANE Select); 251 bases into the intron before coding-DNA position 46, C replaced by T.
Molecular consequence: intron variant.
Genome position (GRCh38, 1-based): chr5:168,488,351, C>T. VCF-style: chr5-168488351-C-T. GRCh37 (hg19) VCF-style: chr5-167915356-C-T.
Identifiers: ClinVar variation 674146 (VCV000674146.1), dbSNP rs10075737, ClinGen allele CA131930287.

ClinVar aggregate classification (germline): Benign (1 of 4 stars; one submission).

Allele frequency attached by ClinVar (database versions not stated): gnomAD 0.07172 and 0.07689; TOPMed 0.08025; 1000 Genomes Project 0.08247; 1000 Genomes Project 30x 0.08807.
gnomAD v4.1: 12,905 of 408,290 alleles (3.2%); highest among the groups gnomAD compares: African/African-American, 24%; 1,458 homozygotes.

Submission:

GeneDx
Classification: Benign. Last evaluated: 2018-06-19. Review status: criteria provided, single submitter. Criteria: GeneDx Variant Classification (06012015). Collection method: clinical testing. Allele origin: germline. Affected: yes.
Comment: This variant is considered likely benign or benign based on one or more of the following criteria: it is a conservative change, it occurs at a poorly conserved position in the protein, it is predicted to be benign by multiple in silico algorithms, and/or has population frequency not consistent with disease.